The following is an entry in ClinVar:

ClinVar aggregate classification (germline): Uncertain significance. Review status: criteria provided, multiple submitters, no conflicts (2 of 4 stars). 2 submissions from 2 submitters: Uncertain significance (2). Last evaluated 2024-10-24.

Conditions:
Deficiency of ferroxidase (ACEP). Also called: Ceruloplasmin deficiency; Familial apoceruloplasmin deficiency; Hereditary ceruloplasmin deficiency; NEURODEGENERATION WITH BRAIN IRON ACCUMULATION 10; Deficiency of ceruloplasmin; Aceruloplasminemia. Identifiers: Orphanet 48818, MedGen C0878682, MONDO:0011426, OMIM 604290, HP:0025498.

Allele frequency attached by ClinVar (database versions not stated): gnomAD 0.00002; TOPMed 0.00002; ExAC 0.00004; gnomAD exomes 0.00005; 1000 Genomes Project 30x 0.00016; 1000 Genomes Project 0.00020.
gnomAD v4.1: 23 of 1,614,192 alleles (0.0014%); highest among the groups gnomAD compares: East Asian, 0.031%; no homozygotes.

Submissions (2):

Blueprint Genetics
Classification: Uncertain significance. Last evaluated: 2024-10-24. Review status: criteria provided, single submitter. Criteria: ACMG Guidelines, 2015. Collection method: clinical testing. Allele origin: germline.

Labcorp Genetics (formerly Invitae), Labcorp
Classification: Uncertain significance for Deficiency of ferroxidase. Last evaluated: 2020-10-07. Review status: criteria provided, single submitter. Criteria: Invitae Variant Classification Sherloc (09022015). Collection method: clinical testing. Allele origin: germline.
Comment: In summary, the available evidence is currently insufficient to determine the role of this variant in disease. Therefore, it has been classified as a Variant of Uncertain Significance. Advanced modeling of protein sequence and biophysical properties (such as structural, functional, and spatial information, amino acid conservation, physicochemical variation, residue mobility, and thermodynamic stability) performed at Invitae indicates that this missense variant is expected to disrupt CP protein function. This variant has not been reported in the literature in individuals with CP-related conditions. This variant is present in population databases (rs555339346, ExAC 0.06%). This sequence change replaces glycine with arginine at codon 669 of the CP protein (p.Gly669Arg). The glycine residue is highly conserved and there is a moderate physicochemical difference between glycine and arginine.

NM_000096.4(CP):c.2005G>C (p.Gly669Arg)

Gene: CP (ceruloplasmin; minus strand). Cytogenetic location: 3q24.
Variant type: single nucleotide variant.
Coding change: c.2005G>C on transcript NM_000096.4 (MANE Select); coding-DNA position 2005, G replaced by C.
Protein change: p.Gly669Arg; replaces glycine 669 with arginine.
Molecular consequence: missense variant.
Genome position (GRCh38, 1-based): chr3:149,186,592, C>G on the plus strand (G>C on the coding strand, the complement: CP is on the minus strand). VCF-style: chr3-149186592-C-G. GRCh37 (hg19) VCF-style: chr3-148904379-C-G.
Other names: short protein forms G669R.
Identifiers: ClinVar variation 1002874 (VCV001002874.10), dbSNP rs555339346, ClinGen allele CA2660860.
Genomic context (GRCh38, chr3:149,186,592, plus strand): 5'-GCCACATGTGGAGCGTAAGACTTGTTTGAGGGAAGAGGTTTGCTGTGTCTCTCCGTTCTC[C>G]TCTCCACAGATATGTGTTTCCTGAAAAGTATATTCCATGTACATCGGCCTCATTTCCGGC-3'
Protein context (NP_000087.2, residues 659-679): YFSGNTYLWR[Gly669Arg]ERRDTANLFP